The following is an entry in ClinVar:

NM_001845.6(COL4A1):c.3871A>G (p.Met1291Val)

Gene: COL4A1 (collagen type IV alpha 1 chain; minus strand). Cytogenetic location: 13q34.
Variant type: single nucleotide variant.
Coding change: c.3871A>G on transcript NM_001845.6 (MANE Select); coding-DNA position 3871, A replaced by G.
Protein change: p.Met1291Val; replaces methionine 1291 with valine.
Molecular consequence: missense variant.
Genome position (GRCh38, 1-based): chr13:110,169,634, T>C on the plus strand (A>G on the coding strand, the complement: COL4A1 is on the minus strand). VCF-style: chr13-110169634-T-C. GRCh37 (hg19) VCF-style: chr13-110821981-T-C.
Other names: short protein forms M1291V.
Identifiers: ClinVar variation 3575693 (VCV003575693.2).

ClinVar aggregate classification (germline): Uncertain significance. Review status: criteria provided, multiple submitters, no conflicts (2 of 4 stars). 2 submissions from 2 submitters: Uncertain significance (2). Last evaluated 2026-01-17.

Conditions:
Brain small vessel disease 1 with or without ocular anomalies (BSVD1). Also called: BRAIN SMALL VESSEL DISEASE WITH HEMORRHAGE; Brain small vessel disease with or without ocular anomalies; GOULD SYNDROME 1; PORENCEPHALY, TYPE 1, AUTOSOMAL DOMINANT. Identifiers: Orphanet 2940, Orphanet 36383, Orphanet 99810, MedGen C4755307, MONDO:0008289, OMIM 175780.
Hemorrhage, intracerebral, susceptibility to (ICH). Also called: Stroke, hemorrhagic, susceptibility to. Identifiers: MedGen C3281105, MONDO:0100533, OMIM 614519.
Retinal arterial tortuosity. Also called: RETINAL HEMORRHAGE WITH VASCULAR TORTUOSITY; Retinal arteries, tortuosity of. Identifiers: Orphanet 75326, MedGen C0423401, MONDO:0008373, OMIM 180000, HP:0000631.
Autosomal dominant familial hematuria-retinal arteriolar tortuosity-contractures syndrome. Also called: Angiopathy, hereditary, with nephropathy, aneurysms, and muscle cramps; Hereditary Angiopathy with Nephropathy, Aneurysms, and Muscle Cramps (HANAC) Syndrome. Identifiers: Orphanet 73229, MedGen C2673195, MONDO:0012726, OMIM 611773.
Microangiopathy and leukoencephalopathy, pontine, autosomal dominant. Also called: DEMENTIA, HEREDITARY MULTI-INFARCT, SWEDISH TYPE; Pontine autosomal dominant microangiopathy with leukoencephalopathy. Identifiers: Orphanet 477749, MedGen C5231411, MONDO:0032814, OMIM 618564.

Submissions (2):

Labcorp Genetics (formerly Invitae), Labcorp
Classification: Uncertain significance. Last evaluated: 2026-01-17. Review status: criteria provided, single submitter. Criteria: Invitae Variant Classification Sherloc (09022015). Collection method: clinical testing. Allele origin: germline.
Comment: This sequence change replaces methionine, which is neutral and non-polar, with valine, which is neutral and non-polar, at codon 1291 of the COL4A1 protein (p.Met1291Val). This variant is present in population databases (rs149810208, gnomAD 0.002%). This variant has not been reported in the literature in individuals affected with COL4A1-related conditions. ClinVar contains an entry for this variant (Variation ID: 3575693). Invitae Evidence Modeling of protein sequence and biophysical properties (such as structural, functional, and spatial information, amino acid conservation, physicochemical variation, residue mobility, and thermodynamic stability) indicates that this missense variant is not expected to disrupt COL4A1 protein function with a negative predictive value of 95%. In summary, the available evidence is currently insufficient to determine the role of this variant in disease. Therefore, it has been classified as a Variant of Uncertain Significance.

Fulgent Genetics
Classification: Uncertain significance for Brain small vessel disease 1 with or without ocular anomalies; Retinal arterial tortuosity; Autosomal dominant familial hematuria-retinal arteriolar tortuosity-contractures syndrome; Hemorrhage, intracerebral, susceptibility to; Microangiopathy and leukoencephalopathy, pontine, autosomal dominant. Last evaluated: 2023-12-27. Review status: criteria provided, single submitter. Criteria: ACMG Guidelines, 2015. Collection method: clinical testing. Allele origin: germline.